The following is an entry in ClinVar:

ClinVar aggregate classification (germline): Pathogenic (1 of 4 stars; one submission).

Conditions:
Hereditary spastic paraplegia 11. Also called: Spastic Paraplegia 11; SPASTIC PARAPLEGIA, AUTOSOMAL RECESSIVE, COMPLICATED, WITH THIN CORPUS CALLOSUM; SPASTIC PARAPLEGIA, AUTOSOMAL RECESSIVE, WITH MENTAL IMPAIRMENT AND THIN CORPUS CALLOSUM; Spastic paraplegia, mental retardation and thin corpus callosum; Nakamura Osame syndrome; Autosomal recessive hereditary spastic paraplegia, mental impairment, and thin corpus callosum. Identifiers: Orphanet 2822, MedGen C1858479, MONDO:0011445, OMIM 604360.

Allele frequency attached by ClinVar (database versions not stated): gnomAD exomes below 0.00001.

Submission:

Labcorp Genetics (formerly Invitae), Labcorp
Classification: Pathogenic for Hereditary spastic paraplegia 11. Last evaluated: 2022-07-05. Review status: criteria provided, single submitter. Criteria: Invitae Variant Classification Sherloc (09022015). Collection method: clinical testing. Allele origin: germline.
Comment: This sequence change creates a premature translational stop signal (p.Ala2348Valfs*8) in the SPG11 gene. It is expected to result in an absent or disrupted protein product. Loss-of-function variants in SPG11 are known to be pathogenic (PMID: 19105190, 20110243, 22154821, 26556829). For these reasons, this variant has been classified as Pathogenic. This variant has not been reported in the literature in individuals affected with SPG11-related conditions. This variant is present in population databases (no rsID available, gnomAD 0.003%).

Literature cited by the submitters: PubMed 19105190; PubMed 20110243; PubMed 22154821; PubMed 26556829.

NM_025137.4(SPG11):c.7043del (p.Ala2348fs)

Gene: SPG11 (SPG11 vesicle trafficking associated, spatacsin; minus strand). Cytogenetic location: 15q21.1.
Variant type: Deletion.
Coding change: c.7043del on transcript NM_025137.4 (MANE Select); coding-DNA position 7043, one base deleted (C; older notation c.7043delC).
Protein change: p.Ala2348fs; shifts the reading frame from alanine 2348.
Molecular consequence: frameshift variant.
Genome position (GRCh38, 1-based): chr15:44,564,655, G deleted on the plus strand (C on the coding strand, the reverse complement: SPG11 is on the minus strand). VCF-style (leftmost placement, unchanged base first): chr15-44564654-AG-A. GRCh37 (hg19) VCF-style: chr15-44856852-AG-A.
Other names: c.6704del, p.Ala2235fs (NM_001160227.2); c.6899delC, p.Ala2300Valfs (NM_001411132.1); short protein forms A2235fs, A2348fs.
Identifiers: ClinVar variation 2070676 (VCV002070676.4), dbSNP rs1442912535, ClinGen allele CA618006047.